The following is an entry in ClinVar:

ClinVar aggregate classification (germline): Conflicting classifications of pathogenicity. Review status: criteria provided, conflicting classifications (1 of 4 stars). 17 submissions from 17 submitters: Uncertain significance (6); Benign (2); Likely benign (5). 4 of the submissions do not count toward it. Last evaluated 2026-04-17.

Conditions:
CDKN2A-related disorder. Also called: CDKN2A-related condition.
Maffucci syndrome. Also called: MULTIPLE ENCHONDROMATOSIS, MAFFUCCI TYPE; Dyschondrodysplasia with Hemangiomas; Enchondromatosis with Multiple Cavernous Hemangiomas; Hemangiomatosis Chondrodystrophica; Multiple Angiomas and Endochondromas; Kast Syndrome. Identifiers: Orphanet 163634, MedGen C0024454, MONDO:0013808, OMIM 614569.
Familial melanoma. Also called: Hereditary melanoma; Hereditary cutaneous melanoma. Identifiers: Orphanet 618, MedGen C1512419, MONDO:0018961.
Hereditary cancer-predisposing syndrome. Also called: Tumor predisposition; Hereditary neoplastic syndrome; Hereditary Cancer Syndrome; Neoplastic Syndromes, Hereditary. Identifiers: Orphanet 140162, MedGen C0027672, MeSH D009386, MONDO:0015356.
Melanoma-pancreatic cancer syndrome. Identifiers: Orphanet 404560, MedGen C1838547, MONDO:0011713, OMIM 606719. Disease mechanism: loss of function.

Allele frequency attached by ClinVar (database versions not stated): ExAC 0.00011; ESP Exome Variant Server 0.00015; gnomAD exomes 0.00022 and 0.00033; gnomAD 0.00025 and 0.00026; TOPMed 0.00026.
gnomAD v4.1: 513 of 1,605,694 alleles (0.032%); highest among the groups gnomAD compares: Non-Finnish European, 0.042%; no homozygotes.

Submissions (17):

PreventionGenetics, part of Exact Sciences
Classification: Uncertain significance for CDKN2A-related condition. Last evaluated: 2026-04-17. Review status: criteria provided, single submitter. Criteria: ACMG Guidelines, 2015. Collection method: clinical testing. Allele origin: germline.
Comment: The CDKN2A c.361G>A variant is predicted to result in the amino acid substitution p.Ala121Thr. This alteration is not predicted to impact splicing based on available splicing prediction programs (SpliceAI, Jaganathan et al. 2019. PubMed ID: 30661751). On an alternate transcript, this change does result in a missense alteration (NM_058195:c.361G>A (p.Ala121Thr)). This variant has been reported in over ten apparently unrelated families with melanoma (Orlow et al. 2001. PubMed ID: 11687599, referred to as Val106Val; Begg et al. 2005. PubMed ID: 16234564; Erlandson et al. 2007. PubMed ID: 17255954; FitzGerald et al. 1996. PubMed ID: 8710906; Aoude et al. 2015. PubMed ID: 25787093; Burgstaller-Muehlbacher et al. 2015. PubMed ID: 26225579), two patients with pancreatic cancer (McWilliams et al. 2011. PubMed ID: 21150883, referred to as A162T; Chaffee et al. 2018. PubMed ID: 28726808, supp table 2), five cases of childhood acute lymphocytic leukemia (Xu et al. 2015. PubMed ID: 26104880), and one individual referred for Lynch syndrome testing (Yurgelun et al. 2015. PubMed ID: 25980754). However, in at least one family, incomplete penetrance of melanoma was described (FitzGerald et al. 1996. PubMed ID: 8710906). This variant is reported in 0.049% of alleles in individuals of European (Non-Finnish) descent in gnomAD. In ClinVar, it has conflicting interpretations ranging from benign to uncertain (Variation ID: 135826). Taken together, the clinical significance of this variant is uncertain due to insufficient functional and genetic evidence.

Labcorp Genetics (formerly Invitae), Labcorp
Classification: Likely benign for Familial melanoma. Last evaluated: 2026-02-03. Review status: criteria provided, single submitter. Criteria: Invitae Variant Classification Sherloc (09022015). Collection method: clinical testing. Allele origin: germline.

Center for Genomic Medicine, Rigshospitalet, Copenhagen University Hospital
Classification: Uncertain significance. Last evaluated: 2025-12-29. Review status: criteria provided, single submitter. Criteria: ACMG Guidelines, 2015. Collection method: clinical testing. Allele origin: germline.

Quest Diagnostics Nichols Institute San Juan Capistrano
Classification: Benign. Last evaluated: 2025-09-13. Review status: criteria provided, single submitter. Criteria: Quest Diagnostics criteria. Collection method: clinical testing. Allele origin: unknown.

GeneDx
Classification: Uncertain significance. Last evaluated: 2025-08-05. Review status: criteria provided, single submitter. Criteria: GeneDx Variant Classification Process June 2021. Collection method: clinical testing. Allele origin: germline. Affected: yes.
Comment: Observed in several individuals with melanoma, pancreatic cancer, or other cancers (PMID: 16234564, 17255954, 17218939, 21150883, 25787093, 26225579, 25479140, 26104880, 25980754, 26681309, 28726808, 34326862); In silico analysis supports that this missense variant has a deleterious effect on protein structure/function; Reported using an alternate transcript of the gene; Also known as p.(Ala162Thr); This variant is associated with the following publications: (PMID: 25064638, 25980754, 30709382, 30039340, 16234564, 21150883, 26104880, 17218939, 12538475, 25787093, 26225579, 17255954, 28726808, 29415044, 27621404, 26681309, 19690981, 25780468, 27882345, 25479140, 16896043, 29641532, 11687599, 8710906, 16818274, 12532425, 27756164, 37322831, 28765326, 34326862, 27960642)

Blueprint Genetics
Classification: Likely benign. Last evaluated: 2024-03-22. Review status: criteria provided, single submitter. Criteria: ACMG Guidelines, 2015. Collection method: clinical testing. Allele origin: germline.

Color Diagnostics, LLC DBA Color Health
Classification: Likely benign for Hereditary cancer-predisposing syndrome. Last evaluated: 2024-03-06. Review status: criteria provided, single submitter. Criteria: ACMG Guidelines, 2015. Collection method: clinical testing. Allele origin: germline.

Department of Pathology and Laboratory Medicine, Sinai Health System
Classification: Uncertain significance for Melanoma-pancreatic cancer syndrome. Last evaluated: 2024-01-05. Review status: criteria provided, single submitter. Criteria: ACMG Guidelines, 2015. Collection method: clinical testing. Allele origin: germline. Affected: yes.

CeGaT Center for Human Genetics Tuebingen
Classification: Likely benign. Last evaluated: 2023-03-01. Review status: criteria provided, single submitter. Criteria: CeGaT Center For Human Genetics Tuebingen Variant Classification Criteria Version 2. Collection method: clinical testing. Allele origin: germline. Affected: yes. Observed: 3 variant alleles.
Comment: CDKN2A: BP4

Women's Health and Genetics/Laboratory Corporation of America, LabCorp
Classification: Likely benign. Last evaluated: 2020-09-04. Review status: criteria provided, single submitter. Criteria: LabCorp Variant Classification Summary - May 2015. Collection method: clinical testing. Allele origin: germline.

Mendelics
Classification: Benign for Melanoma-pancreatic cancer syndrome. Last evaluated: 2019-05-28. Review status: criteria provided, single submitter. Criteria: Mendelics Assertion Criteria 2017. Collection method: clinical testing. Allele origin: unknown.

Ambry Genetics
Classification: Uncertain significance for Hereditary cancer-predisposing syndrome. Last evaluated: 2014-06-10. Review status: criteria provided, single submitter. Criteria: Ambry Autosomal Dominant and X-Linked criteria (10/2015). Collection method: clinical testing. Allele origin: germline. Observed: 1 variant allele.
Comment: Insufficient or inconclusive evidence

Baylor-Hopkins Center for Mendelian Genomics, Johns Hopkins University School of Medicine
Classification: Uncertain significance for Maffucci syndrome. Review status: criteria provided, single submitter. Criteria: ACMG Guidelines, 2015. Collection method: research. Allele origin: maternal. Affected: yes. Observed: 1 heterozygote.

Clinical Genetics DNA and cytogenetics Diagnostics Lab, Erasmus MC, Erasmus Medical Center
Classification: Likely benign. Review status: no assertion criteria provided. Collection method: clinical testing. Allele origin: germline. Affected: yes. Study: VKGL Data-share Consensus. Not counted in ClinVar's aggregate classification.

Diagnostic Laboratory, Department of Genetics, University Medical Center Groningen
Classification: Likely benign. Review status: no assertion criteria provided. Collection method: clinical testing. Allele origin: germline. Affected: yes. Study: VKGL Data-share Consensus. Not counted in ClinVar's aggregate classification.

Genome Diagnostics Laboratory, Amsterdam University Medical Center
Classification: Likely benign. Review status: no assertion criteria provided. Collection method: clinical testing. Allele origin: germline. Affected: yes. Study: VKGL Data-share Consensus. Not counted in ClinVar's aggregate classification.

Joint Genome Diagnostic Labs from Nijmegen and Maastricht, Radboudumc and MUMC+
Classification: Likely benign. Review status: no assertion criteria provided. Collection method: clinical testing. Allele origin: germline. Affected: yes. Study: VKGL Data-share Consensus. Not counted in ClinVar's aggregate classification.

Literature cited by the submitters: PubMed 21150883 (cited by 5 submitters); PubMed 26104880 (cited by 4 submitters); PubMed 25787093 (cited by 4 submitters); PubMed 8710906 (cited by 3 submitters); PubMed 11687599 (cited by Quest Diagnostics Nichols Institute San Juan Capistrano and Women's Health and Genetics/Laboratory Corporation of America, LabCorp); PubMed 16234564 (cited by Quest Diagnostics Nichols Institute San Juan Capistrano and Women's Health and Genetics/Laboratory Corporation of America, LabCorp); PubMed 17218939 (cited by 3 submitters); PubMed 17255954 (cited by 3 submitters); PubMed 19690981 (cited by Quest Diagnostics Nichols Institute San Juan Capistrano and Department of Pathology and Laboratory Medicine, Sinai Health System); PubMed 26225579 (cited by Quest Diagnostics Nichols Institute San Juan Capistrano and Department of Pathology and Laboratory Medicine, Sinai Health System); PubMed 25980754 (cited by 3 submitters); PubMed 25780468 (cited by 3 submitters); PubMed 28726808 (cited by Quest Diagnostics Nichols Institute San Juan Capistrano); PubMed 12532425 (cited by 3 submitters); PubMed 26681309 (cited by Department of Pathology and Laboratory Medicine, Sinai Health System and Women's Health and Genetics/Laboratory Corporation of America, LabCorp); PubMed 9416844 (cited by Department of Pathology and Laboratory Medicine, Sinai Health System and Women's Health and Genetics/Laboratory Corporation of America, LabCorp); PubMed 16896043 (cited by Department of Pathology and Laboratory Medicine, Sinai Health System and Women's Health and Genetics/Laboratory Corporation of America, LabCorp); PubMed 12538475 (cited by Women's Health and Genetics/Laboratory Corporation of America, LabCorp); PubMed 27621404 (cited by Women's Health and Genetics/Laboratory Corporation of America, LabCorp); PubMed 27756164 (cited by Women's Health and Genetics/Laboratory Corporation of America, LabCorp); PubMed 27960642 (cited by Women's Health and Genetics/Laboratory Corporation of America, LabCorp); PubMed 28765326 (cited by Women's Health and Genetics/Laboratory Corporation of America, LabCorp); PubMed 9166859 (cited by Women's Health and Genetics/Laboratory Corporation of America, LabCorp); PubMed 16818274 (cited by Women's Health and Genetics/Laboratory Corporation of America, LabCorp); PubMed 18519632 (cited by Women's Health and Genetics/Laboratory Corporation of America, LabCorp); PubMed 7718873 (cited by Women's Health and Genetics/Laboratory Corporation of America, LabCorp).

NM_000077.5(CDKN2A):c.318G>A (p.Val106=)

Gene: CDKN2A (cyclin dependent kinase inhibitor 2A; minus strand). Cytogenetic location: 9p21.3.
Variant type: single nucleotide variant.
Coding change: c.318G>A on transcript NM_000077.5; coding-DNA position 318, G replaced by A.
Protein change: p.Val106=; no amino-acid change (valine 106 retained).
Molecular consequence: synonymous variant (on NM_000077.6). On other transcripts: missense variant (1), 3 prime UTR variant (1).
Genome position (GRCh38, 1-based): chr9:21,971,041, C>T on the plus strand (G>A on the coding strand, the complement: CDKN2A is on the minus strand). VCF-style: chr9-21971041-C-T. GRCh37 (hg19) VCF-style: chr9-21971040-C-T.
Other names: p.A121T:GCG>ACG; c.318G>A, p.Val106= (NM_000077.6, NM_001195132.2); c.165G>A, p.Val55= (NM_001363763.2); c.361G>A, p.Ala121Thr (NM_058195.4); c.*241G>A (NM_058197.5); short protein forms A121T.
Identifiers: ClinVar variation 135826 (VCV000135826.83), dbSNP rs199888003, ClinGen allele CA299041.